The following is an entry in ClinVar:

NM_020631.6(PLEKHG5):c.784G>A (p.Ala262Thr)

Gene: PLEKHG5 (pleckstrin homology and RhoGEF domain containing G5; minus strand). Cytogenetic location: 1p36.31.
Variant type: single nucleotide variant.
Coding change: c.784G>A on transcript NM_020631.6 (MANE Select); coding-DNA position 784, G replaced by A.
Protein change: p.Ala262Thr; replaces alanine 262 with threonine.
Molecular consequence: missense variant.
Genome position (GRCh38, 1-based): chr1:6,473,262, C>T on the plus strand (G>A on the coding strand, the complement: PLEKHG5 is on the minus strand). VCF-style: chr1-6473262-C-T. GRCh37 (hg19) VCF-style: chr1-6533322-C-T.
Other names: c.895G>A, p.Ala299Thr (NM_001042663.3, NM_001265592.2); c.784G>A, p.Ala262Thr (NM_001042664.2, NM_001042665.2, NM_001265594.3 and 1 more transcripts); c.991G>A, p.Ala331Thr (NM_001265593.2); short protein forms A262T, A299T, A331T.
Identifiers: ClinVar variation 1403245 (VCV001403245.6), dbSNP rs550362834, ClinGen allele CA561756.
Genomic context (GRCh38, chr1:6,473,262, plus strand): 5'-GGGTCATGGCCAGCCAGCTGCCTGACCCTGGGCAGATGGGGCCACATACCCGGCCAAAGG[C>T]GCTGGTGCTGGGGCCGGAGCTGAAAAAGCCGCTGAAGCGACTGGCCGCCCGGTTCTTCCA-3'
Protein context (NP_065682.2, residues 252-272): GFFSSGPSTS[Ala262Thr]FGREVDKMEQ

ClinVar aggregate classification (germline): Conflicting classifications of pathogenicity. Review status: criteria provided, conflicting classifications (1 of 4 stars). 2 submissions from 2 submitters: Uncertain significance (1); Likely benign (1). Last evaluated 2025-02-01.

Conditions:
Inborn genetic diseases. Identifiers: MedGen C0950123, MeSH D030342.
Neuronopathy, distal hereditary motor, autosomal recessive 4. Also called: NEUROPATHY, DISTAL HEREDITARY MOTOR, AUTOSOMAL RECESSIVE 4; Autosomal recessive lower motor neuron disease with childhood onset. Identifiers: Orphanet 206580, MedGen C1970211, MONDO:0012608, OMIM 611067.
Charcot-Marie-Tooth disease recessive intermediate C. Also called: CHARCOT-MARIE-TOOTH NEUROPATHY, RECESSIVE INTERMEDIATE C. Identifiers: Orphanet 369867, MedGen C3809309, MONDO:0014154, OMIM 615376.

Allele frequency attached by ClinVar (database versions not stated): 1000 Genomes Project 30x 0.00016; 1000 Genomes Project 0.00020.
gnomAD v4.1: 29 of 1,609,946 alleles (0.0018%); highest among the groups gnomAD compares: South Asian, 0.0033%; no homozygotes.

Submissions (2):

Ambry Genetics
Classification: Likely benign for Inborn genetic diseases. Last evaluated: 2025-02-01. Review status: criteria provided, single submitter. Criteria: Ambry Variant Classification Scheme 2023. Collection method: clinical testing. Allele origin: germline.

Labcorp Genetics (formerly Invitae), Labcorp
Classification: Uncertain significance for Neuronopathy, distal hereditary motor, autosomal recessive 4; Charcot-Marie-Tooth disease recessive intermediate C. Last evaluated: 2021-08-28. Review status: criteria provided, single submitter. Criteria: Invitae Variant Classification Sherloc (09022015). Collection method: clinical testing. Allele origin: germline.
Comment: This sequence change replaces alanine with threonine at codon 262 of the PLEKHG5 protein (p.Ala262Thr). The alanine residue is weakly conserved and there is a small physicochemical difference between alanine and threonine. This variant is present in population databases (rs550362834, ExAC 0.008%). This variant has not been reported in the literature in individuals affected with PLEKHG5-related conditions. Algorithms developed to predict the effect of missense changes on protein structure and function output the following: SIFT: "Tolerated"; PolyPhen-2: "Benign"; Align-GVGD: "Class C0". The threonine amino acid residue is found in multiple mammalian species, which suggests that this missense change does not adversely affect protein function. In summary, the available evidence is currently insufficient to determine the role of this variant in disease. Therefore, it has been classified as a Variant of Uncertain Significance.